The following is an entry in ClinVar:

NM_198576.4(AGRN):c.5353G>C (p.Asp1785His)

Gene: AGRN (agrin; plus strand). Cytogenetic location: 1p36.33.
Variant type: single nucleotide variant.
Coding change: c.5353G>C on transcript NM_198576.4 (MANE Select); coding-DNA position 5353, G replaced by C.
Protein change: p.Asp1785His; replaces aspartic acid 1785 with histidine.
Molecular consequence: missense variant.
Genome position (GRCh38, 1-based): chr1:1,051,352, G>C. VCF-style: chr1-1051352-G-C. GRCh37 (hg19) VCF-style: chr1-986732-G-C.
Other names: c.5365G>C, p.Asp1789His (NM_001305275.2); c.5050G>C, p.Asp1684His (NM_001364727.2); short protein forms D1785H, D1684H, D1789H.
Identifiers: ClinVar variation 842475 (VCV000842475.9), dbSNP rs144245019, ClinGen allele CA509992.

ClinVar aggregate classification (germline): Uncertain significance. Review status: criteria provided, multiple submitters, no conflicts (2 of 4 stars). 2 submissions from 2 submitters: Uncertain significance (2). Last evaluated 2025-07-08.

Conditions:
Congenital myasthenic syndrome 8. Also called: Myasthenic syndrome, congenital, 8, with pre- and postsynaptic defects; MYASTHENIC SYNDROME, CONGENITAL, DUE TO AGRIN DEFICIENCY. Identifiers: Orphanet 590, MedGen C3808739, MONDO:0014052, OMIM 615120.

Allele frequency attached by ClinVar (database versions not stated): TOPMed 0.00003; 1000 Genomes Project 30x 0.00016.
gnomAD v4.1: 69 of 1,566,418 alleles (0.0044%); highest among the groups gnomAD compares: South Asian, 0.043%; no homozygotes.

Submissions (2):

GeneDx
Classification: Uncertain significance. Last evaluated: 2025-07-08. Review status: criteria provided, single submitter. Criteria: GeneDx Variant Classification Process June 2021. Collection method: clinical testing. Allele origin: germline. Affected: yes.
Comment: In silico analysis suggests that this missense variant does not alter protein structure/function; Has not been previously published as pathogenic or benign to our knowledge

Labcorp Genetics (formerly Invitae), Labcorp
Classification: Uncertain significance for Congenital myasthenic syndrome 8. Last evaluated: 2024-03-13. Review status: criteria provided, single submitter. Criteria: Invitae Variant Classification Sherloc (09022015). Collection method: clinical testing. Allele origin: germline.
Comment: This sequence change replaces aspartic acid, which is acidic and polar, with histidine, which is basic and polar, at codon 1785 of the AGRN protein (p.Asp1785His). This variant is present in population databases (rs144245019, gnomAD 0.05%). This variant has not been reported in the literature in individuals affected with AGRN-related conditions. ClinVar contains an entry for this variant (Variation ID: 842475). An algorithm developed to predict the effect of missense changes on protein structure and function (PolyPhen-2) suggests that this variant is likely to be disruptive. In summary, the available evidence is currently insufficient to determine the role of this variant in disease. Therefore, it has been classified as a Variant of Uncertain Significance.